The following is an entry in ClinVar:

NM_001378120.1(MBD5):c.4789del (p.Asp1596_Leu1597insTer)

Gene: MBD5 (methyl-CpG binding domain protein 5; plus strand). Cytogenetic location: 2q23.1.
Variant type: Deletion.
Coding change: c.4789del on transcript NM_001378120.1 (MANE Select); coding-DNA position 4789, one base deleted (C; older notation c.4789delC).
Protein change: p.Asp1596_Leu1597insTer.
Molecular consequence: nonsense.
Genome position (GRCh38, 1-based): chr2:148,490,421, C deleted; the last of 2 consecutive C bases (chr2:148,490,420-148,490,421); deleting either gives the same sequence. VCF-style (leftmost placement, unchanged base first): chr2-148490419-AC-A. GRCh37 (hg19) VCF-style: chr2-149247988-AC-A.
Other names: c.4789del, p.Asp1596_Leu1597insTer (NM_001438854.1, NM_001438856.1, NM_001438857.1 and 1 more transcripts); c.4090del, p.Asp1363_Leu1364insTer (NM_001438855.1, NM_001438859.1, NM_001438860.1 and 3 more transcripts).
Identifiers: ClinVar variation 4293282 (VCV004293282.1).
Genomic context (GRCh38, chr2:148,490,419, plus strand): 5'-AAAGCGTTAATGGGTGTGTGCCTAGCCCTTCAGATGCTAAAAGCATTAGTAGTGAAGATG[AC>A]CTAAGGAACCCAGACTCCCCCTCTTCAAATGAATTGATACATTATAGACCAAGGACGTTC-3'

ClinVar aggregate classification (germline): Likely pathogenic (1 of 4 stars; one submission).

Conditions:
Intellectual developmental disorder, autosomal dominant 1. Also called: MBD5 Haploinsufficiency; Intellectual disability, autosomal dominant 1. Identifiers: Orphanet 228402, MedGen C1969562, MONDO:0007974, OMIM 156200.

Submission:

3billion
Classification: Likely pathogenic for Intellectual developmental disorder, autosomal dominant 1. Last evaluated: 2024-12-06. Review status: criteria provided, single submitter. Criteria: ACMG Guidelines, 2015. Collection method: clinical testing. Allele origin: germline. Affected: yes.
Comment: The variant is not observed in the gnomAD v4.1.0 dataset. Predicted Consequence/Location: Stop-gained (nonsense): predicted to result in a loss or disruption of normal protein function through nonsense-mediated decay (NMD) or protein truncation. Multiple pathogenic variants are reported downstream of the variant. Therefore, this variant is classified as Likely pathogenic according to the recommendation of ACMG/AMP guideline.